The following is an entry in ClinVar:

NM_000202.8(IDS):c.795C>G (p.Asn265Lys)

Genes: IDS (iduronate 2-sulfatase; minus strand), LOC106050102 (IDS recombination region; plus strand). Cytogenetic location: Xq28.
Variant type: single nucleotide variant.
Coding change: c.795C>G on transcript NM_000202.8 (MANE Select); coding-DNA position 795, C replaced by G.
Protein change: p.Asn265Lys; replaces asparagine 265 with lysine.
Molecular consequence: missense variant. On other transcripts: non-coding transcript variant (1).
Genome position (GRCh38, 1-based): chrX:149,496,430, G>C on the plus strand (C>G on the coding strand, the complement: IDS is on the minus strand). VCF-style: chrX-149496430-G-C. GRCh37 (hg19) VCF-style: chrX-148577961-G-C.
Other names: c.525C>G, p.Asn175Lys (NM_001166550.4); c.795C>G, p.Asn265Lys (NM_006123.5); short protein forms N175K, N265K.
Identifiers: ClinVar variation 3255842 (VCV003255842.2).

ClinVar aggregate classification (germline): Likely pathogenic (1 of 4 stars; one submission).

Conditions:
Mucopolysaccharidosis, MPS-II (MPS2). Also called: Hunter Syndrome; IDURONATE 2-SULFATASE DEFICIENCY; Mucopolysaccharidosis Type II; Mucopolysaccharidosis type 2; Attenuated MPS (subtype; formerly known as mild MPS II); Severe MPS II. Identifiers: Orphanet 580, Orphanet 79388, MedGen C0026705, MONDO:0010674, OMIM 309900.

Submission:

Laboratory of Diagnosis and Therapy of Lysosomal Disorders, University of Padova
Classification: Likely pathogenic for Mucopolysaccharidosis, MPS-II. Last evaluated: 2024-06-07. Review status: criteria provided, single submitter. Criteria: ACMG Guidelines, 2015. Collection method: literature only. Allele origin: germline. Affected: yes. Observed: 2 variant alleles.
Comment: Absent from controls (or at low frequency) in gnomAD database (PM2_Moderate), Missense variant in a gene with a low rate of benign missense variation (PP2_Supporting), Multiple lines of computational evidence support a deleterious effect (PP3_Supporting), Patient’s phenotype or family history highly specific for the disease (PP4_Moderate)

Classification method: ACMG Guidelines [PMID:25741868] with modifications

Literature cited by the submitters: PubMed 24125893; PubMed 33676511.